The following is an entry in ClinVar:

ClinVar aggregate classification (germline): Uncertain significance (1 of 4 stars; one submission).

Allele frequency attached by ClinVar (database versions not stated): gnomAD 0.00001; TOPMed below 0.00001.
gnomAD v4.1: 6 of 1,614,050 alleles (0.00037%); highest among the groups gnomAD compares: African/African-American, 0.0053%; no homozygotes.

Submission:

Labcorp Genetics (formerly Invitae), Labcorp
Classification: Uncertain significance. Last evaluated: 2025-11-25. Review status: criteria provided, single submitter. Criteria: Invitae Variant Classification Sherloc (09022015). Collection method: clinical testing. Allele origin: germline.
Comment: This sequence change replaces glycine, which is neutral and non-polar, with serine, which is neutral and polar, at codon 167 of the LIPG protein (p.Gly167Ser). This variant is present in population databases (no rsID available, gnomAD 0.008%). This variant has not been reported in the literature in individuals affected with LIPG-related conditions. ClinVar contains an entry for this variant (Variation ID: 3002116). An algorithm developed to predict the effect of missense changes on protein structure and function (PolyPhen-2) suggests that this variant is likely to be disruptive. In summary, the available evidence is currently insufficient to determine the role of this variant in disease. Therefore, it has been classified as a Variant of Uncertain Significance.

NM_006033.4(LIPG):c.499G>A (p.Gly167Ser)

Gene: LIPG (lipase G, endothelial type; plus strand). Cytogenetic location: 18q21.1.
Variant type: single nucleotide variant.
Coding change: c.499G>A on transcript NM_006033.4 (MANE Select); coding-DNA position 499, G replaced by A.
Protein change: p.Gly167Ser; replaces glycine 167 with serine.
Molecular consequence: missense variant.
Genome position (GRCh38, 1-based): chr18:49,569,476, G>A. VCF-style: chr18-49569476-G-A. GRCh37 (hg19) VCF-style: chr18-47095846-G-A.
Other names: c.499G>A, p.Gly167Ser (NM_001308006.2); short protein forms G167S.
Identifiers: ClinVar variation 3002116 (VCV003002116.3), dbSNP rs889125342, ClinGen allele CA299928992.